The following is an entry in ClinVar:

ClinVar aggregate classification (germline): Pathogenic (1 of 4 stars; one submission).

Conditions:
Breast-ovarian cancer, familial, susceptibility to, 1 (BROVCA1). Also called: BRCA1 Hereditary Breast and Ovarian Cancer; OVARIAN CANCER, SUSCEPTIBILITY TO. Identifiers: Orphanet 145, MedGen C2676676, MONDO:0011450, OMIM 604370. Disease mechanism: loss of function.

Submission:

Myriad Genetics, Inc.
Classification: Pathogenic for Breast-ovarian cancer, familial, susceptibility to, 1. Last evaluated: 2024-11-25. Review status: criteria provided, single submitter. Criteria: Myriad Autosomal Dominant, Autosomal Recessive and X-Linked Classification Criteria (2023). Collection method: clinical testing. Allele origin: unknown.
Comment: This variant is considered pathogenic. This variant creates a frameshift predicted to result in premature protein truncation.

NM_007294.4(BRCA1):c.329_330delinsT (p.Lys110fs)

Gene: BRCA1 (BRCA1 DNA repair associated; minus strand). Cytogenetic location: 17q21.31.
Variant type: Indel.
Coding change: c.329_330delinsT on transcript NM_007294.4 (MANE Select); coding-DNA positions 329 to 330, AG replaced by T.
Protein change: p.Lys110fs; shifts the reading frame from lysine 110.
Molecular consequence: frameshift variant. On other transcripts: 5 prime UTR variant (7), intron variant (2).
Genome position (GRCh38, 1-based): chr17:43,104,233-43,104,234, CT replaced by A on the plus strand (AG replaced by T on the coding strand, the reverse complement: BRCA1 is on the minus strand). VCF-style: chr17-43104233-CT-A. GRCh37 (hg19) VCF-style: chr17-41256250-CT-A.
Other names: c.119_120delinsT, p.Lys40fs (NM_001408481.1, NM_001408482.1, NM_001408483.1 and 58 more transcripts); c.188_189delinsT, p.Lys63fs (NM_001408468.1, NM_001408469.1, NM_001408470.1 and 99 more transcripts); c.329_330delinsT, p.Lys110fs (NM_001408472.1, NM_001408473.1, NM_001407939.1 and 164 more transcripts); c.251_252delinsT, p.Lys84fs (NM_001408474.1, NM_001408475.1, NM_001408409.1 and 21 more transcripts); c.-53_-52delinsT (NM_001407959.1, NM_001407960.1, NM_001407962.1 and 4 more transcripts); c.320_321delinsT, p.Lys107fs (NM_001408408.1, NM_001407646.1, NM_001407647.1); c.-218-9374_-218-9373delinsT (NM_001407967.1, NM_001407966.1); c.197_198delinsT, p.Lys66fs (NM_001408451.1); short protein forms K107fs, K110fs, K40fs, K63fs, K66fs, K84fs.
Identifiers: ClinVar variation 3773533 (VCV003773533.1).
Genomic context (GRCh38, chr17:43,104,233, plus strand): 5'-GTAGCCCATACTTTGGATGATAGAAACTTCATCTTTTAGATGTTCAGGAGAGTTATTTTC[CT>A]TTTTTGCAAAATTATAGCTGTTTGCATCTGTAAAATACAAGGGAAAACATTATGTTTGCA-3'